The following is an entry in ClinVar:

NM_001611.5(ACP5):c.611G>A (p.Gly204Asp)

Gene: ACP5 (acid phosphatase 5, tartrate resistant; minus strand). Cytogenetic location: 19p13.2.
Variant type: single nucleotide variant.
Coding change: c.611G>A on transcript NM_001611.5 (MANE Select); coding-DNA position 611, G replaced by A.
Protein change: p.Gly204Asp; replaces glycine 204 with aspartic acid.
Molecular consequence: missense variant.
Genome position (GRCh38, 1-based): chr19:11,576,367, C>T on the plus strand (G>A on the coding strand, the complement: ACP5 is on the minus strand). VCF-style: chr19-11576367-C-T. GRCh37 (hg19) VCF-style: chr19-11687182-C-T.
Other names: c.611G>A, p.Gly204Asp (NM_001111034.3, NM_001111035.3, NM_001111036.3 and 1 more transcripts); short protein forms G204D.
Identifiers: ClinVar variation 1059493 (VCV001059493.9), dbSNP rs775336126, ClinGen allele CA9215374.

ClinVar aggregate classification (germline): Uncertain significance (1 of 4 stars; one submission).

Conditions:
Spondyloenchondrodysplasia with immune dysregulation (SPENCDI). Also called: ROIFMAN IMMUNOSKELETAL SYNDROME; SPONDYLOENCHONDRODYSPLASIA WITH OR WITHOUT IMMUNE DYSREGULATION; COMBINED IMMUNODEFICIENCY WITH AUTOIMMUNITY AND SPONDYLOMETAPHYSEAL DYSPLASIA. Identifiers: Orphanet 1855, MedGen C1842763, MONDO:0011939, OMIM 607944.

Allele frequency attached by ClinVar (database versions not stated): gnomAD exomes below 0.00001; TOPMed below 0.00001; ExAC 0.00001.
gnomAD v4.1: 3 of 1,609,914 alleles (0.00019%); highest among the groups gnomAD compares: Admixed American, 0.0017%; no homozygotes.

Submission:

Labcorp Genetics (formerly Invitae), Labcorp
Classification: Uncertain significance for Spondyloenchondrodysplasia with immune dysregulation. Last evaluated: 2022-07-11. Review status: criteria provided, single submitter. Criteria: Invitae Variant Classification Sherloc (09022015). Collection method: clinical testing. Allele origin: germline.
Comment: In summary, the available evidence is currently insufficient to determine the role of this variant in disease. Therefore, it has been classified as a Variant of Uncertain Significance. Algorithms developed to predict the effect of missense changes on protein structure and function are either unavailable or do not agree on the potential impact of this missense change (SIFT: "Not Available"; PolyPhen-2: "Probably Damaging"; Align-GVGD: "Not Available"). ClinVar contains an entry for this variant (Variation ID: 1059493). This variant has not been reported in the literature in individuals affected with ACP5-related conditions. This variant is present in population databases (rs775336126, gnomAD 0.003%). This sequence change replaces glycine, which is neutral and non-polar, with aspartic acid, which is acidic and polar, at codon 204 of the ACP5 protein (p.Gly204Asp).